The following is an entry in ClinVar:

NM_000455.5(STK11):c.*16+8G>A

Gene: STK11 (serine/threonine kinase 11; plus strand). Cytogenetic location: 19p13.3.
Variant type: single nucleotide variant.
Coding change: c.*16+8G>A on transcript NM_000455.5 (MANE Select); 8 bases into the intron after 16 bases downstream of the stop codon, G replaced by A.
Molecular consequence: intron variant.
Genome position (GRCh38, 1-based): chr19:1,226,671, G>A. VCF-style: chr19-1226671-G-A. GRCh37 (hg19) VCF-style: chr19-1226670-G-A.
Identifiers: ClinVar variation 386625 (VCV000386625.1), dbSNP rs930846814, ClinGen allele CA16608099.
Genomic context (GRCh38, chr19:1,226,671, plus strand): 5'-CAAGATCCGCCGGCTGTCGGCCTGCAAGCAGCAGTGAGGCTGGCCGCCTGCAGGTGGGGC[G>A]CGGCGGGGCCCGGGTGGGGCATGTGGGGACAACGCCTGGATGCCACAGCCAGCCGTGAGC-3'

ClinVar aggregate classification (germline): Likely benign (1 of 4 stars; one submission).

Allele frequency attached by ClinVar (database versions not stated): TOPMed 0.00002 and 0.00003.
gnomAD v4.1: 16 of 1,492,044 alleles (0.0011%); highest among the groups gnomAD compares: South Asian, 0.0026%; no homozygotes.

Submission:

GeneDx
Classification: Likely benign. Last evaluated: 2016-06-03. Review status: criteria provided, single submitter. Criteria: GeneDx Variant Classification (06012015). Collection method: clinical testing. Allele origin: germline. Affected: yes.
Comment: This variant is considered likely benign or benign based on one or more of the following criteria: it is a conservative change, it occurs at a poorly conserved position in the protein, it is predicted to be benign by multiple in silico algorithms, and/or has population frequency not consistent with disease.